The following is an entry in ClinVar:

ClinVar aggregate classification (germline): Benign. Review status: reviewed by expert panel (3 of 4 stars). 14 submissions from 14 submitters: Benign (1). 13 of the submissions do not count toward it. Last evaluated 2024-06-11.

Conditions:
BRCA1-related disorder. Also called: BRCA1-related condition.
Fanconi anemia, complementation group S (FANCS). Identifiers: MedGen C4554406, MONDO:0054748, OMIM 617883.
BRCA1-related cancer predisposition. Identifiers: MedGen CN377757, MONDO:0700268.
Hereditary cancer-predisposing syndrome. Also called: Tumor predisposition; Neoplastic Syndromes, Hereditary; Hereditary Cancer Syndrome; Hereditary neoplastic syndrome. Identifiers: Orphanet 140162, MedGen C0027672, MeSH D009386, MONDO:0015356.
Hereditary breast ovarian cancer syndrome. Also called: Hereditary breast and ovarian cancer syndrome (HBOC); Hereditary breast and ovarian cancer syndrome; Hereditary breast and ovarian cancer; Hereditary breast and/or ovarian cancer syndrome; Breast and ovarian cancer; BRCA1- and BRCA2-Associated Hereditary Breast and Ovarian Cancer. Identifiers: Orphanet 145, MedGen C0677776, MeSH D061325, MONDO:0003582. Disease mechanism: loss of function.
Breast-ovarian cancer, familial, susceptibility to, 1 (BROVCA1). Also called: OVARIAN CANCER, SUSCEPTIBILITY TO; BRCA1 Hereditary Breast and Ovarian Cancer. Identifiers: Orphanet 145, MedGen C2676676, MONDO:0011450, OMIM 604370. Disease mechanism: loss of function.

Allele frequency attached by ClinVar (database versions not stated): ExAC 0.00002; gnomAD exomes 0.00002; TOPMed 0.00002; gnomAD 0.00001.
gnomAD v4.1: 51 of 1,613,618 alleles (0.0032%); highest among the groups gnomAD compares: Middle Eastern, 0.016%; no homozygotes.

Submissions (14):

ClinGen ENIGMA BRCA1 and BRCA2 Variant Curation Expert Panel, ClinGen
Classification: Benign for BRCA1-related cancer predisposition. Last evaluated: 2024-06-11. Review status: reviewed by expert panel. Criteria: CSpec BRCA1/2ACMG Rules Specifications V1.0. Collection method: curation. Allele origin: germline. Inheritance: Autosomal dominant inheritance.
Comment: The c.3082C>T variant in BRCA1 is a missense variant predicted to cause substitution of Arginine by Cysteine at amino acid 1028 (p.Arg1028Cys). This variant is present in gnomAD v2.1 (exomes only, non-cancer subset) or gnomAD v3.1 (non-cancer subset) but is below the ENIGMA BRCA1/2 VCEP threshold >0.00002 for BS1_Supporting (PM2_Supporting, BS1, and BA1 are not met). This missense variant is located outside of a key functional domain and was not predicted to alter mRNA splicing using the SpliceAI predictor (score 0.01, score threshold < 0.1) (BP1_Strong met). Reported by one calibrated study to exhibit protein function similar to benign control variants (PMID: 32546644) (BS3 met). This variant has been observed in one individual with features considered inconsistent with an FA-associated phenotype, variant is homozygous (total score 1 point) (BS2_Supporting met; PMID: 29435075). Multifactorial likelihood ratio analysis using clinically calibrated data produced a combined LR for this variant of 0.0009 (based on Cosegregation LR=0.131; Pathology LR=0.056; Co-occurrence LR= 1.527; Family History LR= 0.081), below the thresholds for very strong benign evidence (LR <0.00285) (BP5_Very strong met; PMID: 31131967). In summary, this variant meets the criteria to be classified as a Benign variant for BRCA1-related cancer predisposition based on the ACMG/AMP criteria applied as specified by the ENIGMA BRCA1/2 VCEP (BP1_Strong, BS3, BS2_Supporting, BP5_Very strong).

Labcorp Genetics (formerly Invitae), Labcorp
Classification: Likely benign for Hereditary breast ovarian cancer syndrome. Last evaluated: 2026-01-20. Review status: criteria provided, single submitter. Criteria: Invitae Variant Classification Sherloc (09022015). Collection method: clinical testing. Allele origin: germline. Not counted in ClinVar's aggregate classification.

Women's Health and Genetics/Laboratory Corporation of America, LabCorp
Classification: Likely benign. Last evaluated: 2025-09-03. Review status: criteria provided, single submitter. Criteria: LabCorp Variant Classification Summary - May 2015. Collection method: clinical testing. Allele origin: germline. Not counted in ClinVar's aggregate classification.
Comment: Variant summary: BRCA1 c.3082C>T (p.Arg1028Cys) results in a non-conservative amino acid change in the encoded protein sequence. Algorithms developed to predict the effect of missense changes on protein structure and function are either unavailable or do not agree on the potential impact of this missense change. The variant allele was found at a frequency of 2e-05 in 251110 control chromosomes. The available data on variant occurrences in the general population are insufficient to allow any conclusion about variant significance. c.3082C>T has been reported in the literature in individuals affected with clinical features of BRCA1-related conditions (e.g. Klemp_2000, Coulet_2010, Azzollini_2016, Schenkel_2016, Garcia-Sanz_2016, Davidson_2024, Subaolu_2023) without strong evidence for causality. These reports do not provide unequivocal conclusions about association of the variant with Hereditary Breast and Ovarian Cancer. The variant has also been found as a homozygous variant in a patient with a history of chronic lymphatic leukemia and breast cancer, but who did not exhibit symptoms typical of Fanconi anemia (Bondavalli_2018). Further, a multifactorial analysis resulted in a final classification of Benign (Parsons_2019). At least one publication reports experimental evidence evaluating an impact on protein function. These results showed a neutral effect of this variant in homology directed repair assays in vitro (Bouwman_2020). The following publications have been ascertained in the context of this evaluation (PMID: 27062684, 29435075, 16518693, 20858050, 27997699, 10882858, 15385441, 27376475, 25782689, 32546644, 33273034, 36605468, 31131967). ClinVar contains an entry for this variant (Variation ID: 37506). Based on the evidence outlined above, the variant was classified as likely benign.

PreventionGenetics, part of Exact Sciences
Classification: Likely benign for BRCA1-related condition. Last evaluated: 2025-06-16. Review status: criteria provided, single submitter. Criteria: ACMG Guidelines, 2015. Collection method: clinical testing. Allele origin: germline. Not counted in ClinVar's aggregate classification.
Comment: This variant is classified as likely benign based on ACMG/AMP sequence variant interpretation guidelines (Richards et al. 2015 PMID: 25741868, with internal and published modifications).

Center for Genomic Medicine, Rigshospitalet, Copenhagen University Hospital
Classification: Benign. Last evaluated: 2025-03-04. Review status: criteria provided, single submitter. Criteria: ACMG Guidelines, 2015. Collection method: clinical testing. Allele origin: germline. Not counted in ClinVar's aggregate classification.

Department of Pathology and Laboratory Medicine, Sinai Health System
Classification: Uncertain significance for Fanconi anemia, complementation group S. Last evaluated: 2022-12-01. Review status: criteria provided, single submitter. Criteria: ACMG Guidelines, 2015. Collection method: clinical testing. Allele origin: germline. Not counted in ClinVar's aggregate classification.

Genetic Services Laboratory, University of Chicago
Classification: Likely benign. Last evaluated: 2021-12-16. Review status: criteria provided, single submitter. Criteria: ACMG Guidelines, 2015. Collection method: clinical testing. Allele origin: germline. Affected: no. Not counted in ClinVar's aggregate classification.

Mendelics
Classification: Likely benign for Breast-ovarian cancer, familial, susceptibility to, 1. Last evaluated: 2019-05-28. Review status: criteria provided, single submitter. Criteria: Mendelics Assertion Criteria 2017. Collection method: clinical testing. Allele origin: unknown. Not counted in ClinVar's aggregate classification.

Ambry Genetics
Classification: Likely benign for Hereditary cancer-predisposing syndrome. Last evaluated: 2019-02-28. Review status: criteria provided, single submitter. Criteria: Ambry Variant Classification Scheme 2023. Collection method: clinical testing. Allele origin: germline. Not counted in ClinVar's aggregate classification.

GeneDx
Classification: Likely benign. Last evaluated: 2018-05-01. Review status: criteria provided, single submitter. Criteria: GeneDx Variant Classification Process June 2021. Collection method: clinical testing. Allele origin: germline. Affected: yes. Not counted in ClinVar's aggregate classification.
Comment: This variant is associated with the following publications: (PMID: 12531920, 15385441, 16518693, 27376475, 10923033, 25782689, 10882858, 27062684, 29435075, 33087888)

Color Diagnostics, LLC DBA Color Health
Classification: Likely benign for Hereditary cancer-predisposing syndrome. Last evaluated: 2017-10-24. Review status: criteria provided, single submitter. Criteria: ACMG Guidelines, 2015. Collection method: clinical testing. Allele origin: germline. Not counted in ClinVar's aggregate classification.

Illumina Laboratory Services, Illumina
Classification: Uncertain significance for Breast-ovarian cancer, familial, susceptibility to, 1. Last evaluated: 2017-04-27. Review status: criteria provided, single submitter. Criteria: ICSL Variant Classification Criteria 13 December 2019. Collection method: clinical testing. Allele origin: germline. Not counted in ClinVar's aggregate classification.
Comment: This variant was observed as part of a predisposition screen in an ostensibly healthy population. A literature search was performed for the gene, cDNA change, and amino acid change (where applicable). Publications were found based on this search. However, the evidence from the literature, in combination with allele frequency data from public databases where available, was not sufficient to rule this variant in or out of causing disease. Therefore, this variant is classified as a variant of unknown significance.

Sharing Clinical Reports Project (SCRP)
Classification: Likely benign for Breast-ovarian cancer, familial 1. Last evaluated: 2012-05-01. Review status: no assertion criteria provided. Collection method: clinical testing. Allele origin: germline. Not counted in ClinVar's aggregate classification.

Breast Cancer Information Core (BIC) (BRCA1)
Classification: Uncertain significance for Breast-ovarian cancer, familial 1. Last evaluated: 2004-02-20. Review status: no assertion criteria provided. Collection method: clinical testing. Allele origin: germline. Affected: yes. Observed: 5 variant alleles. Not counted in ClinVar's aggregate classification.

Literature cited by the submitters: PubMed 16518693 (cited by Women's Health and Genetics/Laboratory Corporation of America, LabCorp); PubMed 15385441 (cited by Women's Health and Genetics/Laboratory Corporation of America, LabCorp); PubMed 20858050 (cited by Women's Health and Genetics/Laboratory Corporation of America, LabCorp); PubMed 10882858 (cited by Women's Health and Genetics/Laboratory Corporation of America, LabCorp); PubMed 25782689 (cited by Women's Health and Genetics/Laboratory Corporation of America, LabCorp and Illumina Laboratory Services, Illumina); PubMed 27376475 (cited by Women's Health and Genetics/Laboratory Corporation of America, LabCorp); PubMed 27062684 (cited by Women's Health and Genetics/Laboratory Corporation of America, LabCorp and Department of Pathology and Laboratory Medicine, Sinai Health System); PubMed 31131967 (cited by Women's Health and Genetics/Laboratory Corporation of America, LabCorp); PubMed 29435075 (cited by Women's Health and Genetics/Laboratory Corporation of America, LabCorp and Ambry Genetics); PubMed 27997699 (cited by Women's Health and Genetics/Laboratory Corporation of America, LabCorp and Department of Pathology and Laboratory Medicine, Sinai Health System); PubMed 32546644 (cited by Women's Health and Genetics/Laboratory Corporation of America, LabCorp); PubMed 33273034 (cited by Women's Health and Genetics/Laboratory Corporation of America, LabCorp); PubMed 36605468 (cited by Women's Health and Genetics/Laboratory Corporation of America, LabCorp).

NM_007294.4(BRCA1):c.3082C>T (p.Arg1028Cys)

Gene: BRCA1 (BRCA1 DNA repair associated; minus strand). Cytogenetic location: 17q21.31.
Variant type: single nucleotide variant.
Coding change: c.3082C>T on transcript NM_007294.4 (MANE Select); coding-DNA position 3082, C replaced by T.
Protein change: p.Arg1028Cys; replaces arginine 1028 with cysteine.
Molecular consequence: missense variant. On other transcripts: intron variant (137).
Genome position (GRCh38, 1-based): chr17:43,092,449, G>A on the plus strand (C>T on the coding strand, the complement: BRCA1 is on the minus strand). VCF-style: chr17-43092449-G-A. GRCh37 (hg19) VCF-style: chr17-41244466-G-A.
Other names: NM_007294.4(BRCA1):c.3082C>T; p.Arg1028Cys; 3201C>T; c.2872C>T, p.Arg958Cys (NM_001407887.1, NM_001407889.1, NM_001407900.1 and 13 more transcripts); c.2869C>T, p.Arg957Cys (NM_001407894.1, NM_001407895.1, NM_001407896.1 and 9 more transcripts); c.2959C>T, p.Arg987Cys (NM_001407919.1, NM_001407937.1, NM_001407938.1 and 19 more transcripts); c.2818C>T, p.Arg940Cys (NM_001407920.1, NM_001407921.1, NM_001407922.1 and 9 more transcripts); c.2815C>T, p.Arg939Cys (NM_001407930.1, NM_001407931.1, NM_001407932.1 and 2 more transcripts); and 44 more; short protein forms R1028C, R981C, R1002C, R901C, R940C, R957C, R980C, R987C.
Identifiers: ClinVar variation 37506 (VCV000037506.39), dbSNP rs80357049, ClinGen allele CA002019.
Genomic context (GRCh38, chr17:43,092,449, plus strand): 5'-CTACTTCATTAATATTGCTTGAGCTGGCTTCTTTAAAAACATTTTCTCTAATGTTATTAC[G>A]GCTAATTGTGCTCACTGTACTTGGAATGTTCTCATTTCCCATTTCTCTTTCAGGTGACAT-3'
Protein context (NP_009225.1, residues 1018-1038): NIPSTVSTIS[Arg1028Cys]NNIRENVFKE